The following is an entry in ClinVar:

NM_003482.4(KMT2D):c.15135G>A (p.Gly5045=)

Gene: KMT2D (lysine methyltransferase 2D; minus strand). Cytogenetic location: 12q13.12.
Variant type: single nucleotide variant.
Coding change: c.15135G>A on transcript NM_003482.4 (MANE Select); coding-DNA position 15135, G replaced by A.
Protein change: p.Gly5045=; no amino-acid change (glycine 5045 retained).
Molecular consequence: synonymous variant.
Genome position (GRCh38, 1-based): chr12:49,026,831, C>T on the plus strand (G>A on the coding strand, the complement: KMT2D is on the minus strand). VCF-style: chr12-49026831-C-T. GRCh37 (hg19) VCF-style: chr12-49420614-C-T.
Identifiers: ClinVar variation 3344046 (VCV003344046.1).

ClinVar aggregate classification (germline): Likely benign (0 of 4 stars; one submission).

Conditions:
KMT2D-related disorder. Also called: KMT2D-Related Disorders.

Submission:

PreventionGenetics, part of Exact Sciences
Classification: Likely benign for KMT2D-related condition. Last evaluated: 2024-07-17. Review status: no assertion criteria provided. Collection method: clinical testing. Allele origin: germline.
Comment: This variant is classified as likely benign based on ACMG/AMP sequence variant interpretation guidelines (Richards et al. 2015 PMID: 25741868, with internal and published modifications).